The following is an entry in ClinVar:

NM_003014.3(SFRP4):c.694C>T

Gene: SFRP4 (secreted frizzled related protein 4; minus strand). Cytogenetic location: 7p14.1.
Variant type: single nucleotide variant.
Coding change: c.694C>T on transcript NM_003014.3; coding-DNA position 694, C replaced by T.
Molecular consequence: nonsense (on NM_003014.4).
Genome position (GRCh38, 1-based): chr7:37,912,216, G>A on the plus strand (C>T on the coding strand, the complement: SFRP4 is on the minus strand). VCF-style: chr7-37912216-G-A. GRCh37 (hg19) VCF-style: chr7-37951818-G-A.
Other names: c.694C>T, p.Arg232Ter (NM_003014.4); short protein forms R232*.
Identifiers: ClinVar variation 242996 (VCV000242996.3), dbSNP rs755007671, ClinGen allele CA4222757.

ClinVar aggregate classification (germline): Pathogenic. Review status: criteria provided, single submitter (1 of 4 stars). 2 submissions from 2 submitters: Pathogenic (1). 1 of the submissions does not count toward it. Last evaluated 2024-12-10.

Conditions:
Pyle metaphyseal dysplasia (PYL). Also called: Pyle disease; Metaphyseal dysostosis. Identifiers: Orphanet 3005, MedGen C0265294, MONDO:0009943, OMIM 265900.

Allele frequency attached by ClinVar (database versions not stated): gnomAD exomes below 0.00001; ExAC 0.00001.

Submissions (2):

Dasa
Classification: Pathogenic. Last evaluated: 2024-12-10. Review status: criteria provided, single submitter. Criteria: DASA Assertion Criteria. Collection method: clinical testing. Allele origin: germline.
Comment: NM_003014.4(SFRP4):c.694C>T (p.Arg232*) introduces a premature termination codon predicted to result in loss of normal protein function. Loss-of-function is an established mechanism of disease for this gene. This variant has been observed in affected individuals with related phenotype in a genotype context consistent with recessive disease (PMID: 27355534). This variant has been reported in individuals with related phenotype (PMID: 27355534). The variant is present at low frequency in population datasets. Based on the available data, this variant is classified as pathogenic.

OMIM
Classification: Pathogenic for PYLE DISEASE. Last evaluated: 2017-10-03. Review status: no assertion criteria provided. Collection method: literature only. Allele origin: germline. Not counted in ClinVar's aggregate classification.

Literature cited by the submitters: PubMed 27355534 (cited by Dasa and OMIM).